The following is an entry in ClinVar:

ClinVar aggregate classification (germline): Likely benign (0 of 4 stars; one submission).

Conditions:
PREX2-related disorder. Also called: PREX2-related condition.

Allele frequency attached by ClinVar (database versions not stated): gnomAD exomes 0.00004; ExAC 0.00015; 1000 Genomes Project 30x 0.00016; 1000 Genomes Project 0.00020; ESP Exome Variant Server 0.00031; gnomAD 0.00052; TOPMed 0.00056.
gnomAD v4.1: 137 of 1,612,296 alleles (0.0085%); highest among the groups gnomAD compares: African/African-American, 0.16%; no homozygotes.

Submission:

PreventionGenetics, part of Exact Sciences
Classification: Likely benign for PREX2-related condition. Last evaluated: 2019-06-04. Review status: no assertion criteria provided. Collection method: clinical testing. Allele origin: germline.
Comment: This variant is classified as likely benign based on ACMG/AMP sequence variant interpretation guidelines (Richards et al. 2015 PMID: 25741868, with internal and published modifications).

NM_024870.4(PREX2):c.954T>C (p.His318=)

Gene: PREX2 (phosphatidylinositol-3,4,5-trisphosphate dependent Rac exchange factor 2; plus strand). Cytogenetic location: 8q13.2.
Variant type: single nucleotide variant.
Coding change: c.954T>C on transcript NM_024870.4 (MANE Select); coding-DNA position 954, T replaced by C.
Protein change: p.His318=; no amino-acid change (histidine 318 retained).
Molecular consequence: synonymous variant.
Genome position (GRCh38, 1-based): chr8:68,053,107, T>C. VCF-style: chr8-68053107-T-C. GRCh37 (hg19) VCF-style: chr8-68965342-T-C.
Other names: c.954T>C, p.His318= (NM_025170.6).
Identifiers: ClinVar variation 3044534 (VCV003044534.2), dbSNP rs140987715, ClinGen allele CA4773477.